The following is an entry in ClinVar:

ClinVar aggregate classification (germline): Uncertain significance (1 of 4 stars; one submission).

Conditions:
Wilms tumor 1 (WT1). Also called: Wilms tumor, somatic. Identifiers: Orphanet 654, MedGen CN033288, MONDO:0008679, OMIM 194070.

Allele frequency attached by ClinVar (database versions not stated): gnomAD exomes below 0.00001.
gnomAD v4.1: 2 of 1,211,474 alleles (0.00017%); highest among the groups gnomAD compares: Non-Finnish European, 0.00022%; no homozygotes.

Submission:

Labcorp Genetics (formerly Invitae), Labcorp
Classification: Uncertain significance for Wilms tumor 1. Last evaluated: 2022-07-23. Review status: criteria provided, single submitter. Criteria: Invitae Variant Classification Sherloc (09022015). Collection method: clinical testing. Allele origin: germline.
Comment: This variant has not been reported in the literature in individuals affected with GPC3-related conditions. In summary, the available evidence is currently insufficient to determine the role of this variant in disease. Therefore, it has been classified as a Variant of Uncertain Significance. Algorithms developed to predict the effect of missense changes on protein structure and function are either unavailable or do not agree on the potential impact of this missense change (SIFT: "Deleterious"; PolyPhen-2: "Probably Damaging"; Align-GVGD: "Class C0"). ClinVar contains an entry for this variant (Variation ID: 1060366). This variant is not present in population databases (gnomAD no frequency). This sequence change replaces threonine, which is neutral and polar, with isoleucine, which is neutral and non-polar, at codon 217 of the GPC3 protein (p.Thr217Ile).

NM_004484.4(GPC3):c.650C>T (p.Thr217Ile)

Gene: GPC3 (glypican 3; minus strand). Cytogenetic location: Xq26.2.
Variant type: single nucleotide variant.
Coding change: c.650C>T on transcript NM_004484.4 (MANE Select); coding-DNA position 650, C replaced by T.
Protein change: p.Thr217Ile; replaces threonine 217 with isoleucine.
Molecular consequence: missense variant.
Genome position (GRCh38, 1-based): chrX:133,753,864, G>A on the plus strand (C>T on the coding strand, the complement: GPC3 is on the minus strand). VCF-style: chrX-133753864-G-A. GRCh37 (hg19) VCF-style: chrX-132887891-G-A.
Other names: c.650C>T, p.Thr217Ile (NM_001164617.2); c.602C>T, p.Thr201Ile (NM_001164618.2); c.488C>T, p.Thr163Ile (NM_001164619.2); short protein forms T163I, T201I, T217I.
Identifiers: ClinVar variation 1060366 (VCV001060366.7), dbSNP rs2124480389, ClinGen allele CA414706156.